The following is an entry in ClinVar:

NM_017763.6(RNF43):c.2042T>C (p.Phe681Ser)

Gene: RNF43 (ring finger protein 43; minus strand). Cytogenetic location: 17q22.
Variant type: single nucleotide variant.
Coding change: c.2042T>C on transcript NM_017763.6 (MANE Select); coding-DNA position 2042, T replaced by C.
Protein change: p.Phe681Ser; replaces phenylalanine 681 with serine.
Molecular consequence: missense variant.
Genome position (GRCh38, 1-based): chr17:58,357,734, A>G on the plus strand (T>C on the coding strand, the complement: RNF43 is on the minus strand). VCF-style: chr17-58357734-A-G. GRCh37 (hg19) VCF-style: chr17-56435095-A-G.
Other names: c.2042T>C, p.Phe681Ser (NM_001305544.3, NM_001438820.1, NM_001438821.1 and 1 more transcripts); c.1661T>C, p.Phe554Ser (NM_001305545.2, NM_001437987.1); short protein forms F681S, F554S.
Identifiers: ClinVar variation 5028360 (VCV005028360.1).

ClinVar aggregate classification (germline): Uncertain significance (1 of 4 stars; one submission).

gnomAD v4.1: 8 of 1,612,144 alleles (0.0005%); highest among the groups gnomAD compares: Non-Finnish European, 0.00068%; no homozygotes.

Submission:

Ambry Genetics
Classification: Uncertain significance. Last evaluated: 2026-08-29. Review status: criteria provided, single submitter. Criteria: Ambry Variant Classification Scheme 2023. Collection method: clinical testing. Allele origin: germline.
Comment: The p.F681S variant (also known as c.2042T>C), located in coding exon 8 of the RNF43 gene, results from a T to C substitution at nucleotide position 2042. The phenylalanine at codon 681 is replaced by serine, an amino acid with highly dissimilar properties. This amino acid position is conserved. In addition, this alteration is predicted to be tolerated by in silico analysis. Based on the available evidence, the clinical significance of this variant remains unclear.